The following is an entry in ClinVar:

ClinVar aggregate classification (germline): Benign (0 of 4 stars; one submission).

Conditions:
TIAM1-related disorder. Also called: TIAM1-related condition.

Submission:

PreventionGenetics, part of Exact Sciences
Classification: Benign for TIAM1-related condition. Last evaluated: 2024-03-11. Review status: no assertion criteria provided. Collection method: clinical testing. Allele origin: germline.
Comment: This variant is classified as benign based on ACMG/AMP sequence variant interpretation guidelines (Richards et al. 2015 PMID: 25741868, with internal and published modifications).

NM_001353694.2(TIAM1):c.2389-8dup

Gene: TIAM1 (TIAM Rac1 associated GEF 1; minus strand). Cytogenetic location: 21q22.11.
Variant type: Duplication.
Coding change: c.2389-8dup on transcript NM_001353694.2 (MANE Select); 8 bases into the intron before coding-DNA position 2389, one base duplicated (T; older notation c.2389-8dupT).
Molecular consequence: intron variant.
Genome position (GRCh38, 1-based): chr21:31,203,020, A duplicated on the plus strand (T on the coding strand, the reverse complement: TIAM1 is on the minus strand); the first of 6 consecutive A bases (chr21:31,203,020-31,203,025); duplicating any one gives the same sequence. VCF-style (leftmost placement, unchanged base first): chr21-31203019-C-CA. GRCh37 (hg19) VCF-style: chr21-32575335-C-CA.
Other names: c.2389-8dup (NM_001353690.1, NM_003253.3, NM_001353688.1 and 5 more transcripts); c.2314-8dup (NM_001353687.2).
Identifiers: ClinVar variation 3055610 (VCV003055610.2), dbSNP rs58281566, ClinGen allele CA9998163.
Genomic context (GRCh38, chr21:31,203,019, plus strand): 5'-TTCTATTAGAAATTTCAGGCGCAGGTAATGAGCAGAATGATCCAGTTGATGTGTCTGGGA[C>CA]AAAAAAGAAAGAAAGAAAGAAAATGTCTGTTCAATAGTAAATAGGCACAATTAGTTCTCC-3'